The following is an entry in ClinVar:

ClinVar aggregate classification (germline): Uncertain significance (1 of 4 stars; one submission).

gnomAD v4.1: 3 of 1,563,698 alleles (0.00019%); highest among the groups gnomAD compares: Non-Finnish European, 0.00026%; no homozygotes.

Submission:

Labcorp Genetics (formerly Invitae), Labcorp
Classification: Uncertain significance. Last evaluated: 2025-12-21. Review status: criteria provided, single submitter. Criteria: Invitae Variant Classification Sherloc (09022015). Collection method: clinical testing. Allele origin: germline.
Comment: This sequence change replaces proline, which is neutral and non-polar, with serine, which is neutral and polar, at codon 859 of the BRD4 protein (p.Pro859Ser). This variant is not present in population databases (gnomAD no frequency). This variant has not been reported in the literature in individuals affected with BRD4-related conditions. Invitae Evidence Modeling of protein sequence and biophysical properties (such as structural, functional, and spatial information, amino acid conservation, physicochemical variation, residue mobility, and thermodynamic stability) indicates that this missense variant is not expected to disrupt BRD4 protein function with a negative predictive value of 80%. In summary, the available evidence is currently insufficient to determine the role of this variant in disease. Therefore, it has been classified as a Variant of Uncertain Significance.

NM_001379291.1(BRD4):c.2575C>T (p.Pro859Ser)

Gene: BRD4 (bromodomain containing 4; minus strand). Cytogenetic location: 19p13.12.
Variant type: single nucleotide variant.
Coding change: c.2575C>T on transcript NM_001379291.1 (MANE Select); coding-DNA position 2575, C replaced by T.
Protein change: p.Pro859Ser; replaces proline 859 with serine.
Molecular consequence: missense variant.
Genome position (GRCh38, 1-based): chr19:15,244,237, G>A on the plus strand (C>T on the coding strand, the complement: BRD4 is on the minus strand). VCF-style: chr19-15244237-G-A. GRCh37 (hg19) VCF-style: chr19-15355048-G-A.
Other names: c.2575C>T, p.Pro859Ser (NM_058243.3); short protein forms P859S.
Identifiers: ClinVar variation 4754593 (VCV004754593.1).